The following is an entry in ClinVar:

NM_173630.4(RTTN):c.5315C>G (p.Ala1772Gly)

Gene: RTTN (rotatin; minus strand). Cytogenetic location: 18q22.2.
Variant type: single nucleotide variant.
Coding change: c.5315C>G on transcript NM_173630.4 (MANE Select); coding-DNA position 5315, C replaced by G.
Protein change: p.Ala1772Gly; replaces alanine 1772 with glycine.
Molecular consequence: missense variant.
Genome position (GRCh38, 1-based): chr18:70,051,419, G>C on the plus strand (C>G on the coding strand, the complement: RTTN is on the minus strand). VCF-style: chr18-70051419-G-C. GRCh37 (hg19) VCF-style: chr18-67718655-G-C.
Other names: c.2579C>G, p.Ala860Gly (NM_001318520.2); short protein forms A1772G, A860G.
Identifiers: ClinVar variation 1328806 (VCV001328806.3), dbSNP rs200631915, ClinGen allele CA402691333.

ClinVar aggregate classification (germline): Uncertain significance. Review status: criteria provided, multiple submitters, no conflicts (2 of 4 stars). 2 submissions from 2 submitters: Uncertain significance (2). Last evaluated 2023-05-17.

Conditions:
RTTN-related disorder. Also called: RTTN-related condition.

gnomAD v4.1: 28 of 1,608,848 alleles (0.0017%); highest among the groups gnomAD compares: Non-Finnish European, 0.0023%; no homozygotes.

Submissions (2):

PreventionGenetics, part of Exact Sciences
Classification: Uncertain significance for RTTN-related condition. Last evaluated: 2023-05-17. Review status: criteria provided, single submitter. Criteria: ACMG Guidelines, 2015. Collection method: clinical testing. Allele origin: germline.
Comment: The RTTN c.5315C>G variant is predicted to result in the amino acid substitution p.Ala1772Gly. To our knowledge, this variant has not been reported in the literature. This variant is reported in 0.00090% of alleles in individuals of European (Non-Finnish) descent in gnomAD. At this time, the clinical significance of this variant is uncertain due to the absence of conclusive functional and genetic evidence.

GeneDx
Classification: Uncertain significance. Last evaluated: 2021-06-18. Review status: criteria provided, single submitter. Criteria: GeneDx Variant Classification Process June 2021. Collection method: clinical testing. Allele origin: germline. Affected: yes.